The following is an entry in ClinVar:

NM_000089.4(COL1A2):c.2251G>A (p.Gly751Ser)

Gene: COL1A2 (collagen type I alpha 2 chain; plus strand). Cytogenetic location: 7q21.3.
Variant type: single nucleotide variant.
Coding change: c.2251G>A on transcript NM_000089.4 (MANE Select); coding-DNA position 2251, G replaced by A.
Protein change: p.Gly751Ser; replaces glycine 751 with serine.
Molecular consequence: missense variant.
Genome position (GRCh38, 1-based): chr7:94,420,604, G>A. VCF-style: chr7-94420604-G-A. GRCh37 (hg19) VCF-style: chr7-94049916-G-A.
Other names: short protein forms G751S.
Identifiers: ClinVar variation 17267 (VCV000017267.12), dbSNP rs72658176, ClinGen allele CA257792.

ClinVar aggregate classification (germline): Pathogenic. Review status: criteria provided, single submitter (1 of 4 stars). 2 submissions from 2 submitters: Pathogenic (1). 1 of the submissions does not count toward it. Last evaluated 2020-08-20.

Conditions:
Ehlers-Danlos syndrome, classic type, 1 (EDSCL1). Also called: Ehlers-Danlos Syndrome, Classic Type, COL5A1-Related; EDS I; Ehlers-Danlos syndrome, type 1; EHLERS-DANLOS SYNDROME, GRAVIS TYPE; EHLERS-DANLOS SYNDROME, SEVERE CLASSIC TYPE. Identifiers: MedGen C0268335, MONDO:0019567, OMIM 130000.
Osteogenesis imperfecta type I (OI1). Also called: Lobstein disease; Classic Non-deforming Osteogenesis Imperfecta with Blue Sclerae; OI, TYPE I; OSTEOGENESIS IMPERFECTA TARDA; OSTEOGENESIS IMPERFECTA WITH BLUE SCLERAE; Osteogenesis imperfecta type 1. Identifiers: Orphanet 216796, Orphanet 666, MedGen C0023931, MONDO:0008146, OMIM 166200. Disease mechanism: loss of function.
Osteogenesis imperfecta type III (OI3). Also called: Osteogenesis imperfecta type 3; OI type 3; Osteogenesis imperfecta, progressively deforming with normal sclerae; OI type III; Progressively Deforming Osteogenesis Imperfecta. Identifiers: Orphanet 216812, Orphanet 666, MedGen C0268362, MONDO:0009804, OMIM 259420.

Allele frequency attached by ClinVar (database versions not stated): ExAC 0.00001; TOPMed 0.00002; gnomAD exomes below 0.00001.
gnomAD v4.1: 6 of 1,611,600 alleles (0.00037%); highest among the groups gnomAD compares: South Asian, 0.0011%; no homozygotes.

Submissions (2):

Labcorp Genetics (formerly Invitae), Labcorp
Classification: Pathogenic for Osteogenesis imperfecta type I; Ehlers-Danlos syndrome, classic type, 1. Last evaluated: 2020-08-20. Review status: criteria provided, single submitter. Criteria: Invitae Variant Classification Sherloc (09022015). Collection method: clinical testing. Allele origin: germline.
Comment: For these reasons, this variant has been classified as Pathogenic. This variant disrupts the triple helix domain of COL1A2. Glycine residues within the Gly-Xaa-Yaa repeats of the triple helix domain are required for the structure and stability of fibrillar collagens (PMID: 7695699, 8218237, 19344236). In COL1A2, variants affecting these glycine residues are significantly enriched in individuals with disease (PMID: 9016532, 17078022) compared to the general population (ExAC). This variant disrupts the p.Gly751 amino acid residue in COL1A2. Other variant(s) that disrupt this residue have been observed in individuals with COL1A2-related conditions (PMID: 24668929), which suggests that this may be a clinically significant amino acid residue. Advanced modeling of protein sequence and biophysical properties (such as structural, functional, and spatial information, amino acid conservation, physicochemical variation, residue mobility, and thermodynamic stability) performed at Invitae indicates that this missense variant is expected to disrupt COL1A2 protein function. This variant has been observed in individual(s) with autosomal dominant osteogenesis imperfecta (OI) and autosomal recessive OI, in which individual(s) presented with a more severe phenotype (PMID: 2052622, 9099837). It has also been observed to segregate with disease in related individuals. This variant is also known as p.Gly661Ser. ClinVar contains an entry for this variant (Variation ID: 17267). This variant is present in population databases (rs72658176, ExAC 0.02%). This sequence change replaces glycine with serine at codon 751 of the COL1A2 protein (p.Gly751Ser). The glycine residue is highly conserved and there is a small physicochemical difference between glycine and serine.

OMIM
Classification: Pathogenic for OSTEOGENESIS IMPERFECTA, TYPE III. Last evaluated: 2017-12-21. Review status: no assertion criteria provided. Collection method: literature only. Allele origin: germline. Not counted in ClinVar's aggregate classification.

Literature cited by the submitters: PubMed 7695699 (cited by Labcorp Genetics (formerly Invitae), Labcorp); PubMed 8218237 (cited by Labcorp Genetics (formerly Invitae), Labcorp); PubMed 19344236 (cited by Labcorp Genetics (formerly Invitae), Labcorp); PubMed 9016532 (cited by Labcorp Genetics (formerly Invitae), Labcorp); PubMed 17078022 (cited by Labcorp Genetics (formerly Invitae), Labcorp); PubMed 24668929 (cited by Labcorp Genetics (formerly Invitae), Labcorp); PubMed 2052622 (cited by Labcorp Genetics (formerly Invitae), Labcorp); PubMed 9099837 (cited by Labcorp Genetics (formerly Invitae), Labcorp); PubMed 2824475 (cited by OMIM).